The following is an entry in ClinVar:

ClinVar aggregate classification (germline): Uncertain significance (1 of 4 stars; one submission).

Allele frequency attached by ClinVar (database versions not stated): TOPMed below 0.00001; gnomAD exomes 0.00001; ExAC 0.00006.
gnomAD v4.1: 20 of 1,558,328 alleles (0.0013%); highest among the groups gnomAD compares: Admixed American, 0.0038%; no homozygotes.

Submission:

Labcorp Genetics (formerly Invitae), Labcorp
Classification: Uncertain significance. Last evaluated: 2025-07-28. Review status: criteria provided, single submitter. Criteria: Invitae Variant Classification Sherloc (09022015). Collection method: clinical testing. Allele origin: germline.
Comment: This sequence change replaces arginine, which is basic and polar, with cysteine, which is neutral and slightly polar, at codon 99 of the FSCN2 protein (p.Arg99Cys). The frequency data for this variant in the population databases is considered unreliable, as metrics indicate poor data quality at this position in the gnomAD database. This variant has not been reported in the literature in individuals affected with FSCN2-related conditions. ClinVar contains an entry for this variant (Variation ID: 933971). An algorithm developed to predict the effect of missense changes on protein structure and function (PolyPhen-2) suggests that this variant is likely to be disruptive. In summary, the available evidence is currently insufficient to determine the role of this variant in disease. Therefore, it has been classified as a Variant of Uncertain Significance.

NM_012418.4(FSCN2):c.295C>T (p.Arg99Cys)

Gene: FSCN2 (fascin actin-bundling protein 2, retinal; plus strand). Cytogenetic location: 17q25.3.
Variant type: single nucleotide variant.
Coding change: c.295C>T on transcript NM_012418.4 (MANE Select); coding-DNA position 295, C replaced by T.
Protein change: p.Arg99Cys; replaces arginine 99 with cysteine.
Molecular consequence: missense variant.
Genome position (GRCh38, 1-based): chr17:81,528,826, C>T. VCF-style: chr17-81528826-C-T. GRCh37 (hg19) VCF-style: chr17-79495852-C-T.
Other names: c.295C>T, p.Arg99Cys (NM_001077182.3); short protein forms R99C.
Identifiers: ClinVar variation 933971 (VCV000933971.7), dbSNP rs782014114, ClinGen allele CA8836634.